The following is an entry in ClinVar:

NM_138691.3(TMC1):c.924C>G (p.Asp308Glu)

Gene: TMC1 (transmembrane channel like 1; plus strand). Cytogenetic location: 9q21.13.
Variant type: single nucleotide variant.
Coding change: c.924C>G on transcript NM_138691.3 (MANE Select); coding-DNA position 924, C replaced by G.
Protein change: p.Asp308Glu; replaces aspartic acid 308 with glutamic acid.
Molecular consequence: missense variant.
Genome position (GRCh38, 1-based): chr9:72,788,378, C>G. VCF-style: chr9-72788378-C-G. GRCh37 (hg19) VCF-style: chr9-75403294-C-G.
Other names: short protein forms D308E.
Identifiers: ClinVar variation 286752 (VCV000286752.23), dbSNP rs113342704, ClinGen allele CA5081830.

ClinVar aggregate classification (germline): Conflicting classifications of pathogenicity. Review status: criteria provided, conflicting classifications (1 of 4 stars). 9 submissions from 8 submitters: Uncertain significance (5); Likely benign (4). Last evaluated 2026-09-09.

Conditions:
Autosomal dominant nonsyndromic hearing loss 36. Identifiers: Orphanet 90635, MedGen C1847626, MONDO:0011708, OMIM 606705.
Autosomal recessive nonsyndromic hearing loss 7. Also called: DEAFNESS, AUTOSOMAL RECESSIVE 11. Identifiers: Orphanet 90636, MedGen C1832978, MONDO:0010967, OMIM 600974.
Inborn genetic diseases. Identifiers: MedGen C0950123, MeSH D030342.
TMC1-related disorder. Also called: TMC1-related condition; TMC1-related disorders.

Allele frequency attached by ClinVar (database versions not stated): 1000 Genomes Project 0.00040; 1000 Genomes Project 30x 0.00047; TOPMed 0.00054; gnomAD 0.00073; ESP Exome Variant Server 0.00085.
gnomAD v4.1: 200 of 1,613,984 alleles (0.012%); highest among the groups gnomAD compares: African/African-American, 0.21%; 4 homozygotes.

Submissions (9):

PreventionGenetics, part of Exact Sciences
Classification: Likely benign for TMC1-related condition. Last evaluated: 2026-09-09. Review status: criteria provided, single submitter. Criteria: ACMG Guidelines, 2015. Collection method: clinical testing. Allele origin: germline.
Comment: This variant is classified as likely benign based on ACMG/AMP sequence variant interpretation guidelines (Richards et al. 2015 PMID: 25741868, with internal and published modifications).

Labcorp Genetics (formerly Invitae), Labcorp
Classification: Likely benign. Last evaluated: 2025-12-16. Review status: criteria provided, single submitter. Criteria: Invitae Variant Classification Sherloc (09022015). Collection method: clinical testing. Allele origin: germline.

Ambry Genetics
Classification: Uncertain significance for Inborn genetic diseases. Last evaluated: 2025-08-20. Review status: criteria provided, single submitter. Criteria: Ambry Variant Classification Scheme 2023. Collection method: clinical testing. Allele origin: germline.

GeneDx
Classification: Likely benign. Last evaluated: 2020-07-21. Review status: criteria provided, single submitter. Criteria: GeneDx Variant Classification Process June 2021. Collection method: clinical testing. Allele origin: germline. Affected: yes.

Athena Diagnostics
Classification: Uncertain significance. Last evaluated: 2019-08-14. Review status: criteria provided, single submitter. Criteria: Athena Diagnostics Criteria. Collection method: clinical testing. Allele origin: germline.

Illumina Laboratory Services, Illumina
Classification: Uncertain significance for Autosomal recessive nonsyndromic hearing loss 7. Last evaluated: 2018-01-13. Review status: criteria provided, single submitter. Criteria: ICSL Variant Classification Criteria 13 December 2019. Collection method: clinical testing. Allele origin: germline.

Illumina Laboratory Services, Illumina
Classification: Likely benign for Autosomal dominant nonsyndromic hearing loss 36. Last evaluated: 2018-01-13. Review status: criteria provided, single submitter. Criteria: ICSL Variant Classification Criteria 13 December 2019. Collection method: clinical testing. Allele origin: germline.
Comment: This variant was observed in the ICSL laboratory as part of a predisposition screen in an ostensibly healthy population. It had not been previously curated by ICSL or reported in the Human Gene Mutation Database (HGMD: prior to June 1st, 2018), and was therefore a candidate for classification through an automated scoring system. Utilizing variant allele frequency, disease prevalence and penetrance estimates, and inheritance mode, an automated score was calculated to assess if this variant is too frequent to cause the disease. Based on the score and internal cut-off values, a variant classified as likely benign is not then subjected to further curation. The score for this variant resulted in a classification of likely benign for this disease.

Center for Pediatric Genomic Medicine, Children's Mercy Hospital and Clinics
Classification: Uncertain significance. Last evaluated: 2017-04-11. Review status: criteria provided, single submitter. Criteria: ACMG Guidelines, 2015. Collection method: clinical testing. Allele origin: germline.

Eurofins Ntd Llc (ga)
Classification: Uncertain significance. Last evaluated: 2016-03-16. Review status: criteria provided, single submitter. Criteria: EGL Classification Definitions 2015. Collection method: clinical testing. Allele origin: germline. Observed: 1 variant allele, 1 heterozygote.